The following is an entry in ClinVar:

NM_014956.5(CEP164):c.2616+1G>A

Gene: CEP164 (centrosomal protein 164; plus strand). Cytogenetic location: 11q23.3.
Variant type: single nucleotide variant.
Coding change: c.2616+1G>A on transcript NM_014956.5 (MANE Select); the canonical splice donor site of the intron after coding-DNA position 2616, G replaced by A.
Molecular consequence: splice donor variant.
Genome position (GRCh38, 1-based): chr11:117,393,127, G>A. VCF-style: chr11-117393127-G-A. GRCh37 (hg19) VCF-style: chr11-117263843-G-A.
Other names: c.2625+1G>A (NM_001271933.2).
Identifiers: ClinVar variation 1352747 (VCV001352747.6), dbSNP rs2136378484, ClinGen allele CA382726739.

ClinVar aggregate classification (germline): Likely pathogenic (1 of 4 stars; one submission).

Conditions:
Nephronophthisis 15 (NPHP15). Identifiers: Orphanet 3156, MedGen C3541853, MONDO:0013917, OMIM 614845.

Submission:

Labcorp Genetics (formerly Invitae), Labcorp
Classification: Likely pathogenic for Nephronophthisis 15. Last evaluated: 2021-12-13. Review status: criteria provided, single submitter. Criteria: Invitae Variant Classification Sherloc (09022015). Collection method: clinical testing. Allele origin: germline.
Comment: Algorithms developed to predict the effect of sequence changes on RNA splicing suggest that this variant may disrupt the consensus splice site. This variant has not been reported in the literature in individuals affected with CEP164-related conditions. In summary, the currently available evidence indicates that the variant is pathogenic, but additional data are needed to prove that conclusively. Therefore, this variant has been classified as Likely Pathogenic. This sequence change affects a donor splice site in intron 20 of the CEP164 gene. It is expected to disrupt RNA splicing. Variants that disrupt the donor or acceptor splice site typically lead to a loss of protein function (PMID: 16199547), and loss-of-function variants in CEP164 are known to be pathogenic (PMID: 22863007, 28125082, 32367404, 34132027, 34499853). This variant is not present in population databases (gnomAD no frequency).

Literature cited by the submitters: PubMed 16199547; PubMed 22863007; PubMed 28125082; PubMed 32367404; PubMed 34132027; PubMed 34499853.